The following is an entry in ClinVar:

ClinVar aggregate classification (germline): Pathogenic. Review status: criteria provided, multiple submitters, no conflicts (2 of 4 stars). 2 submissions from 2 submitters: Pathogenic (2). Last evaluated 2026-01-21.

Conditions:
Early-infantile DEE. Also called: Early infantile epileptic encephalopathy with suppression bursts; Early infantile epileptic encephalopathy; Ohtahara syndrome. Identifiers: Orphanet 1934, MedGen C0393706, MONDO:0800491.
Generalized epilepsy with febrile seizures plus, type 2 (GEFSP2). Also called: GEFS+, TYPE 2. Identifiers: Orphanet 36387, MedGen C1858673, MONDO:0011461, OMIM 604403.

Submissions (2):

Labcorp Genetics (formerly Invitae), Labcorp
Classification: Pathogenic for Early-infantile DEE. Last evaluated: 2026-01-21. Review status: criteria provided, single submitter. Criteria: Invitae Variant Classification Sherloc (09022015). Collection method: clinical testing. Allele origin: germline.
Comment: This sequence change creates a premature translational stop signal (p.Tyr426*) in the SCN1A gene. It is expected to result in an absent or disrupted protein product. Loss-of-function variants in SCN1A are known to be pathogenic (PMID: 17347258, 18930999). This variant is not present in population databases (gnomAD no frequency). This premature translational stop signal has been observed in individual(s) with epilepsy (PMID: 29778030; internal data). ClinVar contains an entry for this variant (Variation ID: 659903). For these reasons, this variant has been classified as Pathogenic.

Palindrome, Gene Kavoshgaran Aria
Classification: Pathogenic for Generalized epilepsy with febrile seizures plus, type 2. Last evaluated: 2024-06-07. Review status: criteria provided, single submitter. Criteria: ACMG Guidelines, 2015. Collection method: clinical testing. Allele origin: germline. Inheritance: Autosomal dominant inheritance. Affected: yes. Observed: 1 heterozygote.

Literature cited by the submitters: PubMed 17347258 (cited by Labcorp Genetics (formerly Invitae), Labcorp); PubMed 18930999 (cited by Labcorp Genetics (formerly Invitae), Labcorp); PubMed 29778030 (cited by Labcorp Genetics (formerly Invitae), Labcorp).

NM_001165963.4(SCN1A):c.1278C>A (p.Tyr426Ter)

Gene: SCN1A (sodium voltage-gated channel alpha subunit 1; minus strand). Cytogenetic location: 2q24.3.
Variant type: single nucleotide variant.
Coding change: c.1278C>A on transcript NM_001165963.4 (MANE Select); coding-DNA position 1278, C replaced by A.
Protein change: p.Tyr426Ter; replaces tyrosine 426 with a stop codon.
Molecular consequence: nonsense. On other transcripts: 5 prime UTR variant (1), non-coding transcript variant (1).
Genome position (GRCh38, 1-based): chr2:166,046,869, G>T on the plus strand (C>A on the coding strand, the complement: SCN1A is on the minus strand). VCF-style: chr2-166046869-G-T. GRCh37 (hg19) VCF-style: chr2-166903379-G-T.
Other names: c.1278C>A, p.Tyr426Ter (NM_001165964.3, NM_001202435.3, NM_001353948.2 and 10 more transcripts); c.-1148C>A (NM_001353961.2); short protein forms Y426*.
Identifiers: ClinVar variation 659903 (VCV000659903.10), dbSNP rs146515561, ClinGen allele CA349070801.
Genomic context (GRCh38, chr2:166,046,869, plus strand): 5'-CTGCTGAAATTCGGCCTCTTTCTGTTCTGCTTCTTCCAAGGTGGCCTGATTCTGTTCCTC[G>T]TAGGCCATGGCCACCACAGCCAGGATCAAATTTATTAGGTAGAATGAGCCCAAGAAAATG-3'